The following is an entry in ClinVar:

NM_052947.4(ALPK2):c.5515T>C (p.Ser1839Pro)

Gene: ALPK2 (alpha kinase 2; minus strand). Cytogenetic location: 18q21.31.
Variant type: single nucleotide variant.
Coding change: c.5515T>C on transcript NM_052947.4 (MANE Select); coding-DNA position 5515, T replaced by C.
Protein change: p.Ser1839Pro; replaces serine 1839 with proline.
Molecular consequence: missense variant.
Genome position (GRCh38, 1-based): chr18:58,524,049, A>G on the plus strand (T>C on the coding strand, the complement: ALPK2 is on the minus strand). VCF-style: chr18-58524049-A-G. GRCh37 (hg19) VCF-style: chr18-56191281-A-G.
Other names: short protein forms S1839P.
Identifiers: ClinVar variation 3531806 (VCV003531806.1).

ClinVar aggregate classification (germline): Uncertain significance (1 of 4 stars; one submission).

Submission:

Ambry Genetics
Classification: Uncertain significance. Last evaluated: 2024-10-20. Review status: criteria provided, single submitter. Criteria: Ambry Variant Classification Scheme 2023. Collection method: clinical testing. Allele origin: germline.
Comment: The p.S1839P variant (also known as c.5515T>C), located in coding exon 6 of the ALPK2 gene, results from a T to C substitution at nucleotide position 5515. The serine at codon 1839 is replaced by proline, an amino acid with similar properties. This amino acid position is conserved. In addition, the in silico prediction for this alteration is inconclusive. Based on the available evidence, the clinical significance of this variant remains unclear.